The following is an entry in ClinVar:

NM_015160.3(PMPCA):c.1452G>T (p.Met484Ile)

Gene: PMPCA (peptidase, mitochondrial processing subunit alpha; plus strand). Cytogenetic location: 9q34.3.
Variant type: single nucleotide variant.
Coding change: c.1452G>T on transcript NM_015160.3 (MANE Select); coding-DNA position 1452, G replaced by T.
Protein change: p.Met484Ile; replaces methionine 484 with isoleucine.
Molecular consequence: missense variant.
Genome position (GRCh38, 1-based): chr9:136,423,138, G>T. VCF-style: chr9-136423138-G-T. GRCh37 (hg19) VCF-style: chr9-139317590-G-T.
Other names: c.1059G>T, p.Met353Ile (NM_001282944.2); c.1152G>T, p.Met384Ile (NM_001282946.2); c.1452G>T (NM_015160.1); short protein forms M484I, M353I, M384I.
Identifiers: ClinVar variation 3015890 (VCV003015890.4), dbSNP rs370801019, ClinGen allele CA5336558.

ClinVar aggregate classification (germline): Uncertain significance. Review status: criteria provided, multiple submitters, no conflicts (2 of 4 stars). 2 submissions from 2 submitters: Uncertain significance (2). Last evaluated 2025-06-23.

Conditions:
Inborn genetic diseases. Identifiers: MedGen C0950123, MeSH D030342.

Allele frequency attached by ClinVar (database versions not stated): TOPMed 0.00002; ExAC 0.00004; 1000 Genomes Project 0.00020; gnomAD 0.00001; ESP Exome Variant Server 0.00008; 1000 Genomes Project 30x 0.00016.
gnomAD v4.1: 35 of 1,613,530 alleles (0.0022%); highest among the groups gnomAD compares: East Asian, 0.029%; no homozygotes.

Submissions (2):

Labcorp Genetics (formerly Invitae), Labcorp
Classification: Uncertain significance. Last evaluated: 2025-06-23. Review status: criteria provided, single submitter. Criteria: Invitae Variant Classification Sherloc (09022015). Collection method: clinical testing. Allele origin: germline.
Comment: This sequence change replaces methionine, which is neutral and non-polar, with isoleucine, which is neutral and non-polar, at codon 484 of the PMPCA protein (p.Met484Ile). This variant is present in population databases (rs370801019, gnomAD 0.06%). This variant has not been reported in the literature in individuals affected with PMPCA-related conditions. ClinVar contains an entry for this variant (Variation ID: 3015890). Invitae Evidence Modeling of protein sequence and biophysical properties (such as structural, functional, and spatial information, amino acid conservation, physicochemical variation, residue mobility, and thermodynamic stability) indicates that this missense variant is not expected to disrupt PMPCA protein function with a negative predictive value of 80%. In summary, the available evidence is currently insufficient to determine the role of this variant in disease. Therefore, it has been classified as a Variant of Uncertain Significance.

Ambry Genetics
Classification: Uncertain significance for Inborn genetic diseases. Last evaluated: 2024-10-29. Review status: criteria provided, single submitter. Criteria: Ambry Variant Classification Scheme 2023. Collection method: clinical testing. Allele origin: germline.